The following is an entry in ClinVar:

ClinVar aggregate classification (germline): Likely benign (1 of 4 stars; one submission).

Submission:

CeGaT Center for Human Genetics Tuebingen
Classification: Likely benign. Last evaluated: 2023-03-01. Review status: criteria provided, single submitter. Criteria: CeGaT Center For Human Genetics Tuebingen Variant Classification Criteria Version 2. Collection method: clinical testing. Allele origin: germline. Affected: yes. Observed: 1 variant allele.
Comment: VCP: PM2:Supporting, BP4, BP7

NM_007126.5(VCP):c.816T>G (p.Pro272=)

Gene: VCP (valosin containing protein; minus strand). Cytogenetic location: 9p13.3.
Variant type: single nucleotide variant.
Coding change: c.816T>G on transcript NM_007126.5 (MANE Select); coding-DNA position 816, T replaced by G.
Protein change: p.Pro272=; no amino-acid change (proline 272 retained).
Molecular consequence: synonymous variant.
Genome position (GRCh38, 1-based): chr9:35,062,346, A>C on the plus strand (T>G on the coding strand, the complement: VCP is on the minus strand). VCF-style: chr9-35062346-A-C. GRCh37 (hg19) VCF-style: chr9-35062343-A-C.
Other names: c.681T>G, p.Pro227= (NM_001354927.2, NM_001354928.2).
Identifiers: ClinVar variation 2499089 (VCV002499089.28), dbSNP rs2490358214, ClinGen allele CA464406711.
Genomic context (GRCh38, chr9:35,062,346, plus strand): 5'-CTCCTCAAAGGCTTTACGAAGGTTGCTCTCAGACTCACCAGCCAATTTGCTCATGATCTC[A>C]GGACCTGAAAGGATACAGAATGGAGACAATAACAAAATGATAGTCTTTCCCAATTCCTCC-3'
Protein context (NP_009057.1, residues 262-282): TGAFFFLING[Pro272=]EIMSKLAGES